The following is an entry in ClinVar:

NM_000263.4(NAGLU):c.457G>T (p.Glu153Ter)

Gene: NAGLU (N-acetyl-alpha-glucosaminidase; plus strand). Cytogenetic location: 17q21.2.
Variant type: single nucleotide variant.
Coding change: c.457G>T on transcript NM_000263.4 (MANE Select); coding-DNA position 457, G replaced by T.
Protein change: p.Glu153Ter; replaces glutamic acid 153 with a stop codon.
Molecular consequence: nonsense.
Genome position (GRCh38, 1-based): chr17:42,537,471, G>T. VCF-style: chr17-42537471-G-T. GRCh37 (hg19) VCF-style: chr17-40689489-G-T.
Other names: short protein forms E153*.
Identifiers: ClinVar variation 2138023 (VCV002138023.5), dbSNP rs1352416909, ClinGen allele CA399598148.
Genomic context (GRCh38, chr17:42,537,471, plus strand): 5'-CAGAATGTGTGCACGCAAAGCTACTCTTTCGTGTGGTGGGACTGGGCCCGCTGGGAGCGA[G>T]AGATAGACTGGATGGCGCTGAATGGCATCAACCTGGCACTGGCCTGGAGCGGCCAGGAGG-3'

ClinVar aggregate classification (germline): Pathogenic. Review status: criteria provided, multiple submitters, no conflicts (2 of 4 stars). 2 submissions from 2 submitters: Pathogenic (2). Last evaluated 2025-02-20.

Conditions:
Mucopolysaccharidosis, MPS-III-B (MPS3B). Also called: N-ACETYL-ALPHA-D-GLUCOSAMINIDASE DEFICIENCY; NAGLU DEFICIENCY; SANFILIPPO SYNDROME B; MPS III B; MUCOPOLYSACCHARIDOSIS, TYPE IIIB; MPS IIIB (Sanfilippo Syndrome Type B). Identifiers: Orphanet 79270, MedGen C0086648, MONDO:0009656, OMIM 252920.
Charcot-Marie-Tooth disease axonal type 2V. Also called: CHARCOT-MARIE-TOOTH NEUROPATHY, TYPE 2V; CHARCOT-MARIE-TOOTH DISEASE, AXONAL, AUTOSOMAL DOMINANT, TYPE 2V. Identifiers: Orphanet 447964, MedGen C5569050, MONDO:0014665, OMIM 616491.

Allele frequency attached by ClinVar (database versions not stated): TOPMed 0.00001; gnomAD exomes below 0.00001; gnomAD 0.00001.
gnomAD v4.1: 3 of 1,614,146 alleles (0.00019%); highest among the groups gnomAD compares: Non-Finnish European, 0.00025%; no homozygotes.

Submissions (2):

Myriad Genetics, Inc.
Classification: Pathogenic for Mucopolysaccharidosis, MPS-III-B. Last evaluated: 2025-02-20. Review status: criteria provided, single submitter. Criteria: Myriad Autosomal Dominant, Autosomal Recessive and X-Linked Classification Criteria (2023). Collection method: clinical testing. Allele origin: unknown.
Comment: NM_000263.3(NAGLU):c.457G>T(E153*) is a nonsense variant classified as pathogenic in the context of mucopolysaccharidosis type IIIB. E153* has been observed in a case with relevant disease (PMID: 28101780). Relevant functional assessments of this variant are not available in the literature. E153* has not been observed in referenced population frequency databases. In summary, NM_000263.3(NAGLU):c.457G>T(E153*) is a nonsense variant in a gene where loss of function is a known mechanism of disease, is predicted to disrupt protein function, and has been observed more frequently in cases with the relevant disease than in healthy populations. Please note: this variant was assessed in the context of healthy population screening.

Labcorp Genetics (formerly Invitae), Labcorp
Classification: Pathogenic for Charcot-Marie-Tooth disease axonal type 2V; Mucopolysaccharidosis, MPS-III-B. Last evaluated: 2023-08-11. Review status: criteria provided, single submitter. Criteria: Invitae Variant Classification Sherloc (09022015). Collection method: clinical testing. Allele origin: germline.
Comment: This variant is not present in population databases (gnomAD no frequency). This sequence change creates a premature translational stop signal (p.Glu153*) in the NAGLU gene. It is expected to result in an absent or disrupted protein product. Loss-of-function variants in NAGLU are known to be pathogenic (PMID: 9832037, 10094189, 16151907). This premature translational stop signal has been observed in individual(s) with mucopolysaccharidosis type IIIB (PMID: 28101780). For these reasons, this variant has been classified as Pathogenic. Algorithms developed to predict the effect of sequence changes on RNA splicing suggest that this variant may disrupt the consensus splice site. ClinVar contains an entry for this variant (Variation ID: 2138023).

Literature cited by the submitters: PubMed 28101780 (cited by Myriad Genetics, Inc. and Labcorp Genetics (formerly Invitae), Labcorp); PubMed 9832037 (cited by Labcorp Genetics (formerly Invitae), Labcorp); PubMed 10094189 (cited by Labcorp Genetics (formerly Invitae), Labcorp); PubMed 16151907 (cited by Labcorp Genetics (formerly Invitae), Labcorp).